The following is an entry in ClinVar:

NM_138694.4(PKHD1):c.8997A>G (p.Pro2999=)

Gene: PKHD1 (PKHD1 ciliary IPT domain containing fibrocystin/polyductin; minus strand). Cytogenetic location: 6p12.3.
Variant type: single nucleotide variant.
Coding change: c.8997A>G on transcript NM_138694.4 (MANE Select); coding-DNA position 8997, A replaced by G.
Protein change: p.Pro2999=; no amino-acid change (proline 2999 retained).
Molecular consequence: synonymous variant.
Genome position (GRCh38, 1-based): chr6:51,748,619, T>C on the plus strand (A>G on the coding strand, the complement: PKHD1 is on the minus strand). VCF-style: chr6-51748619-T-C. GRCh37 (hg19) VCF-style: chr6-51613417-T-C.
Other names: c.8997A>G, p.Pro2999= (NM_170724.3); c.8997A>G (NM_138694.3).
Identifiers: ClinVar variation 287478 (VCV000287478.13), dbSNP rs777095602, ClinGen allele CA3851462.

ClinVar aggregate classification (germline): Conflicting classifications of pathogenicity. Review status: criteria provided, conflicting classifications (1 of 4 stars). 3 submissions from 3 submitters: Uncertain significance (1); Likely benign (1). 1 of the submissions does not count toward it. Last evaluated 2025-09-11.

Conditions:
PKHD1-related disorder. Also called: PKHD1-related condition.
Autosomal recessive polycystic kidney disease (ARPKD). Also called: AR polycystic kidney disease. Identifiers: Orphanet 731, Orphanet 8378, MedGen C0085548, MeSH D017044, MONDO:0009889.

Allele frequency attached by ClinVar (database versions not stated): gnomAD 0.00001; gnomAD exomes 0.00001 and 0.00002; ExAC 0.00002; TOPMed 0.00002.
gnomAD v4.1: 36 of 1,613,726 alleles (0.0022%); highest among the groups gnomAD compares: Non-Finnish European, 0.0031%; no homozygotes.

Submissions (3):

Labcorp Genetics (formerly Invitae), Labcorp
Classification: Likely benign for Autosomal recessive polycystic kidney disease. Last evaluated: 2025-09-11. Review status: criteria provided, single submitter. Criteria: Invitae Variant Classification Sherloc (09022015). Collection method: clinical testing. Allele origin: germline.

Eurofins Ntd Llc (ga)
Classification: Uncertain significance. Last evaluated: 2016-04-14. Review status: criteria provided, single submitter. Criteria: EGL Classification Definitions 2015. Collection method: clinical testing. Allele origin: germline. Observed: 1 variant allele, 1 heterozygote.

PreventionGenetics, part of Exact Sciences
Classification: Likely benign for PKHD1-related condition. Last evaluated: 2024-06-21. Review status: no assertion criteria provided. Collection method: clinical testing. Allele origin: germline. Not counted in ClinVar's aggregate classification.
Comment: This variant is classified as likely benign based on ACMG/AMP sequence variant interpretation guidelines (Richards et al. 2015 PMID: 25741868, with internal and published modifications).